The following is an entry in ClinVar:

NM_025137.4(SPG11):c.3457T>G (p.Leu1153Val)

Gene: SPG11 (SPG11 vesicle trafficking associated, spatacsin; minus strand). Cytogenetic location: 15q21.1.
Variant type: single nucleotide variant.
Coding change: c.3457T>G on transcript NM_025137.4 (MANE Select); coding-DNA position 3457, T replaced by G.
Protein change: p.Leu1153Val; replaces leucine 1153 with valine.
Molecular consequence: missense variant.
Genome position (GRCh38, 1-based): chr15:44,606,088, A>C on the plus strand (T>G on the coding strand, the complement: SPG11 is on the minus strand). VCF-style: chr15-44606088-A-C. GRCh37 (hg19) VCF-style: chr15-44898286-A-C.
Other names: c.3457T>G, p.Leu1153Val (NM_001160227.2); short protein forms L1153V.
Identifiers: ClinVar variation 1508313 (VCV001508313.5), dbSNP rs2140994487, ClinGen allele CA392223954.

ClinVar aggregate classification (germline): Uncertain significance (1 of 4 stars; one submission).

Conditions:
Hereditary spastic paraplegia 11. Also called: Spastic paraplegia, mental retardation and thin corpus callosum; SPASTIC PARAPLEGIA, AUTOSOMAL RECESSIVE, COMPLICATED, WITH THIN CORPUS CALLOSUM; SPASTIC PARAPLEGIA, AUTOSOMAL RECESSIVE, WITH MENTAL IMPAIRMENT AND THIN CORPUS CALLOSUM; Spastic Paraplegia 11; Nakamura Osame syndrome; Autosomal recessive hereditary spastic paraplegia, mental impairment, and thin corpus callosum. Identifiers: Orphanet 2822, MedGen C1858479, MONDO:0011445, OMIM 604360.

Submission:

Labcorp Genetics (formerly Invitae), Labcorp
Classification: Uncertain significance for Hereditary spastic paraplegia 11. Last evaluated: 2021-08-24. Review status: criteria provided, single submitter. Criteria: Invitae Variant Classification Sherloc (09022015). Collection method: clinical testing. Allele origin: germline.
Comment: This sequence change replaces leucine with valine at codon 1153 of the SPG11 protein (p.Leu1153Val). The leucine residue is moderately conserved and there is a small physicochemical difference between leucine and valine. This variant is not present in population databases (ExAC no frequency). This variant has not been reported in the literature in individuals affected with SPG11-related conditions. Algorithms developed to predict the effect of missense changes on protein structure and function are either unavailable or do not agree on the potential impact of this missense change (SIFT: "Tolerated"; PolyPhen-2: "Possibly Damaging"; Align-GVGD: "Class C0"). Algorithms developed to predict the effect of sequence changes on RNA splicing suggest that this variant may create or strengthen a splice site. In summary, the available evidence is currently insufficient to determine the role of this variant in disease. Therefore, it has been classified as a Variant of Uncertain Significance.